The following is an entry in ClinVar:

ClinVar aggregate classification (germline): Uncertain significance. Review status: criteria provided, multiple submitters, no conflicts (2 of 4 stars). 2 submissions from 2 submitters: Uncertain significance (2). Last evaluated 2025-11-09.

Conditions:
Inborn genetic diseases. Identifiers: MedGen C0950123, MeSH D030342.

Submissions (2):

GeneDx
Classification: Uncertain significance. Last evaluated: 2025-11-09. Review status: criteria provided, single submitter. Criteria: GeneDx Variant Classification Process June 2021. Collection method: clinical testing. Allele origin: germline.
Comment: In silico analysis suggests that this missense variant does not alter protein structure/function; Has not been previously published as pathogenic or benign to our knowledge

Ambry Genetics
Classification: Uncertain significance for Inborn genetic diseases. Last evaluated: 2025-09-22. Review status: criteria provided, single submitter. Criteria: Ambry Variant Classification Scheme 2023. Collection method: clinical testing. Allele origin: germline.

NM_005262.3(GFER):c.217G>T (p.Ala73Ser)

Genes: GFER (growth factor, augmenter of liver regeneration; plus strand), LOC130058203 (ATAC-STARR-seq lymphoblastoid silent region 7014; plus strand). Cytogenetic location: 16p13.3.
Variant type: single nucleotide variant.
Coding change: c.217G>T on transcript NM_005262.3 (MANE Select); coding-DNA position 217, G replaced by T.
Protein change: p.Ala73Ser; replaces alanine 73 with serine.
Molecular consequence: missense variant.
Genome position (GRCh38, 1-based): chr16:1,984,435, G>T. VCF-style: chr16-1984435-G-T. GRCh37 (hg19) VCF-style: chr16-2034436-G-T.
Other names: short protein forms A73S.
Identifiers: ClinVar variation 3365870 (VCV003365870.3).
Genomic context (GRCh38, chr16:1,984,435, plus strand): 5'-CAGGCGCCGACCTCCGATTCTCCTGTCGCCGAGGACGCCTCCCGGAGGCGGCCGTGCCGG[G>T]CCTGCGTCGACTTCAAGACGTGGATGCGGACGCAGCAGAAGGTGCAGTTCCCTGCCCGAT-3'
Protein context (NP_005253.3, residues 63-83): EDASRRRPCR[Ala73Ser]CVDFKTWMRT